The following is an entry in ClinVar:

NM_000057.4(BLM):c.437A>T (p.Asp146Val)

Gene: BLM (BLM RecQ like helicase; plus strand). Cytogenetic location: 15q26.1.
Variant type: single nucleotide variant.
Coding change: c.437A>T on transcript NM_000057.4 (MANE Select); coding-DNA position 437, A replaced by T.
Protein change: p.Asp146Val; replaces aspartic acid 146 with valine.
Molecular consequence: missense variant. On other transcripts: 5 prime UTR variant (1).
Genome position (GRCh38, 1-based): chr15:90,749,705, A>T. VCF-style: chr15-90749705-A-T. GRCh37 (hg19) VCF-style: chr15-91292935-A-T.
Other names: c.437A>T (LRG_20t1); c.437A>T, p.Asp146Val (NM_001287246.2, NM_001287247.2); c.-855A>T (NM_001287248.2); short protein forms D146V.
Identifiers: ClinVar variation 485330 (VCV000485330.18), dbSNP rs902876126, ClinGen allele CA274728070.

ClinVar aggregate classification (germline): Conflicting classifications of pathogenicity. Review status: criteria provided, conflicting classifications (1 of 4 stars). 3 submissions from 3 submitters: Uncertain significance (1); Likely benign (1). 1 of the submissions does not count toward it. Last evaluated 2025-08-18.

Conditions:
Bloom syndrome (BLM). Also called: Bloom-Torre-Machacek syndrome. Identifiers: Orphanet 125, MedGen C0005859, MONDO:0008876, OMIM 210900.
Hereditary cancer-predisposing syndrome. Also called: Neoplastic Syndromes, Hereditary; Tumor predisposition; Hereditary Cancer Syndrome; Hereditary neoplastic syndrome. Identifiers: Orphanet 140162, MedGen C0027672, MeSH D009386, MONDO:0015356.

Allele frequency attached by ClinVar (database versions not stated): gnomAD exomes 0.00001; TOPMed 0.00001.

Submissions (3):

Labcorp Genetics (formerly Invitae), Labcorp
Classification: Likely benign for Bloom syndrome. Last evaluated: 2025-08-18. Review status: criteria provided, single submitter. Criteria: Invitae Variant Classification Sherloc (09022015). Collection method: clinical testing. Allele origin: germline.

Ambry Genetics
Classification: Uncertain significance for Hereditary cancer-predisposing syndrome. Last evaluated: 2024-08-02. Review status: criteria provided, single submitter. Criteria: Ambry Variant Classification Scheme 2023. Collection method: clinical testing. Allele origin: germline.
Comment: The p.D146V variant (also known as c.437A>T), located in coding exon 2 of the BLM gene, results from an A to T substitution at nucleotide position 437. The aspartic acid at codon 146 is replaced by valine, an amino acid with highly dissimilar properties. This amino acid position is highly conserved in available vertebrate species. In addition, the in silico prediction for this alteration is inconclusive. Since supporting evidence is limited at this time, the clinical significance of this alteration remains unclear.

Natera, Inc.
Classification: Uncertain significance for Bloom syndrome. Last evaluated: 2020-09-16. Review status: no assertion criteria provided. Collection method: clinical testing. Allele origin: germline. Not counted in ClinVar's aggregate classification.